The following is an entry in ClinVar:

ClinVar aggregate classification (germline): Uncertain significance (1 of 4 stars; one submission).

Conditions:
Tuberous sclerosis 2 (TSC2). Identifiers: Orphanet 805, MedGen C1860707, MONDO:0013199, OMIM 613254.

Submission:

Labcorp Genetics (formerly Invitae), Labcorp
Classification: Uncertain significance for Tuberous sclerosis 2. Last evaluated: 2026-01-14. Review status: criteria provided, single submitter. Criteria: Invitae Variant Classification Sherloc (09022015). Collection method: clinical testing. Allele origin: germline.
Comment: This sequence change replaces leucine, which is neutral and non-polar, with isoleucine, which is neutral and non-polar, at codon 177 of the TSC2 protein (p.Leu177Ile). This variant is not present in population databases (gnomAD no frequency). This variant has not been reported in the literature in individuals affected with TSC2-related conditions. ClinVar contains an entry for this variant (Variation ID: 3637175). Invitae Evidence Modeling of protein sequence and biophysical properties (such as structural, functional, and spatial information, amino acid conservation, physicochemical variation, residue mobility, and thermodynamic stability) indicates that this missense variant is not expected to disrupt TSC2 protein function with a negative predictive value of 95%. In summary, the available evidence is currently insufficient to determine the role of this variant in disease. Therefore, it has been classified as a Variant of Uncertain Significance.

NM_000548.5(TSC2):c.529C>A (p.Leu177Ile)

Gene: TSC2 (TSC complex subunit 2; plus strand). Cytogenetic location: 16p13.3.
Variant type: single nucleotide variant.
Coding change: c.529C>A on transcript NM_000548.5 (MANE Select); coding-DNA position 529, C replaced by A.
Protein change: p.Leu177Ile; replaces leucine 177 with isoleucine.
Molecular consequence: missense variant. On other transcripts: 5 prime UTR variant (13), non-coding transcript variant (5), intron variant (6).
Genome position (GRCh38, 1-based): chr16:2,055,449, C>A. VCF-style: chr16-2055449-C-A. GRCh37 (hg19) VCF-style: chr16-2105450-C-A.
Other names: c.529C>A, p.Leu177Ile (NM_001077183.3, NM_001114382.3, NM_001363528.2 and 8 more transcripts); c.418C>A, p.Leu140Ile (NM_001318827.2, NM_001406670.1, NM_001406678.1); c.382C>A, p.Leu128Ile (NM_001318829.2, NM_001406675.1, NM_001406676.1 and 1 more transcripts); c.562C>A, p.Leu188Ile (NM_001318832.2); c.619C>A, p.Leu207Ile (NM_001406667.1, NM_001406668.1); c.472C>A, p.Leu158Ile (NM_001406677.1); c.-288C>A (NM_001406680.1, NM_001406683.1, NM_001406687.1); c.67C>A, p.Leu23Ile (NM_001406681.1); and 6 more; short protein forms L158I, L207I, L128I, L140I, L177I, L23I, L188I.
Identifiers: ClinVar variation 3637175 (VCV003637175.2).